The following is an entry in ClinVar:

NM_212552.3(BOLA3):c.244C>G (p.Gln82Glu)

Gene: BOLA3 (bolA family member 3; minus strand). Cytogenetic location: 2p13.1.
Variant type: single nucleotide variant.
Coding change: c.244C>G on transcript NM_212552.3 (MANE Select); coding-DNA position 244, C replaced by G.
Protein change: p.Gln82Glu; replaces glutamine 82 with glutamic acid.
Molecular consequence: missense variant. On other transcripts: intron variant (1).
Genome position (GRCh38, 1-based): chr2:74,142,286, G>C on the plus strand (C>G on the coding strand, the complement: BOLA3 is on the minus strand). VCF-style: chr2-74142286-G-C. GRCh37 (hg19) VCF-style: chr2-74369413-G-C.
Other names: c.169+2903C>G (NM_001035505.2); short protein forms Q82E.
Identifiers: ClinVar variation 3766293 (VCV003766293.1).

ClinVar aggregate classification (germline): Uncertain significance (1 of 4 stars; one submission).

Submission:

GeneDx
Classification: Uncertain significance. Last evaluated: 2024-08-27. Review status: criteria provided, single submitter. Criteria: GeneDx Variant Classification Process June 2021. Collection method: clinical testing. Allele origin: germline. Affected: yes.
Comment: Not observed at significant frequency in large population cohorts (gnomAD); In silico analysis indicates that this missense variant does not alter protein structure/function; Has not been previously published as pathogenic or benign to our knowledge